The following is an entry in ClinVar:

ClinVar aggregate classification (germline): Conflicting classifications of pathogenicity. Review status: criteria provided, conflicting classifications (1 of 4 stars). 4 submissions from 4 submitters: Uncertain significance (1); Likely benign (2). 1 of the submissions does not count toward it. Last evaluated 2026-01-25.

Conditions:
SKIC3-related disorder. Also called: SKIC3-related condition.
Trichohepatoenteric syndrome 1 (THES1). Also called: DIARRHEA, FATAL INFANTILE, WITH TRICHORRHEXIS NODOSA. Identifiers: Orphanet 84064, MedGen C4551982, MONDO:0024541, OMIM 222470.

Allele frequency attached by ClinVar (database versions not stated): gnomAD exomes 0.00027 and 0.00055; ExAC 0.00078; gnomAD 0.00205 and 0.00220; TOPMed 0.00248; 1000 Genomes Project 30x 0.00250; 1000 Genomes Project 0.00260; ESP Exome Variant Server 0.00261.
gnomAD v4.1: 729 of 1,614,088 alleles (0.045%); highest among the groups gnomAD compares: African/African-American, 0.8%; 4 homozygotes.

Submissions (4):

Labcorp Genetics (formerly Invitae), Labcorp
Classification: Likely benign. Last evaluated: 2026-01-25. Review status: criteria provided, single submitter. Criteria: Invitae Variant Classification Sherloc (09022015). Collection method: clinical testing. Allele origin: germline.

Blueprint Genetics
Classification: Likely benign. Last evaluated: 2024-11-25. Review status: criteria provided, single submitter. Criteria: ACMG Guidelines, 2015. Collection method: clinical testing. Allele origin: germline.

New York Genome Center
Classification: Uncertain significance for Trichohepatoenteric syndrome 1. Last evaluated: 2019-10-11. Review status: criteria provided, single submitter. Criteria: NYGC Assertion Criteria 2020. Collection method: clinical testing. Allele origin: maternal. Inheritance: Autosomal recessive inheritance. Observed: 1 heterozygote. Study: CSER-NYCKidSeq.

PreventionGenetics, part of Exact Sciences
Classification: Likely benign for SKIC3-related condition. Last evaluated: 2023-02-28. Review status: no assertion criteria provided. Collection method: clinical testing. Allele origin: germline. Not counted in ClinVar's aggregate classification.
Comment: This variant is classified as likely benign based on ACMG/AMP sequence variant interpretation guidelines (Richards et al. 2015 PMID: 25741868, with internal and published modifications).

NM_014639.4(SKIC3):c.3875C>G (p.Thr1292Ser)

Gene: SKIC3 (SKI3 subunit of superkiller complex; minus strand). Cytogenetic location: 5q15.
Variant type: single nucleotide variant.
Coding change: c.3875C>G on transcript NM_014639.4 (MANE Select); coding-DNA position 3875, C replaced by G.
Protein change: p.Thr1292Ser; replaces threonine 1292 with serine.
Molecular consequence: missense variant.
Genome position (GRCh38, 1-based): chr5:95,490,964, G>C on the plus strand (C>G on the coding strand, the complement: SKIC3 is on the minus strand). VCF-style: chr5-95490964-G-C. GRCh37 (hg19) VCF-style: chr5-94826668-G-C.
Other names: short protein forms T1292S.
Identifiers: ClinVar variation 703690 (VCV000703690.14), dbSNP rs138956788, ClinGen allele CA3346568.